The following is an entry in ClinVar:

NM_000179.3(MSH6):c.2938G>A (p.Glu980Lys)

Gene: MSH6 (mutS homolog 6; plus strand). Cytogenetic location: 2p16.3.
Variant type: single nucleotide variant.
Coding change: c.2938G>A on transcript NM_000179.3 (MANE Select); coding-DNA position 2938, G replaced by A.
Protein change: p.Glu980Lys; replaces glutamic acid 980 with lysine.
Molecular consequence: missense variant. On other transcripts: non-coding transcript variant (5), intron variant (2).
Genome position (GRCh38, 1-based): chr2:47,800,921, G>A. VCF-style: chr2-47800921-G-A. GRCh37 (hg19) VCF-style: chr2-48028060-G-A.
Other names: c.2413G>A, p.Glu805Lys (NM_001406806.1, NM_001406807.1, NM_001406799.1); c.2938G>A, p.Glu980Lys (NM_001406808.1, NM_001406809.1, NM_001406796.1 and 2 more transcripts); c.2032G>A, p.Glu678Lys (NM_001406811.1, NM_001406812.1, NM_001406814.1 and 6 more transcripts); c.2944G>A, p.Glu982Lys (NM_001406813.1); c.2641G>A, p.Glu881Lys (NM_001406827.1, NM_001406828.1, NM_001406830.1 and 10 more transcripts); c.883G>A, p.Glu295Lys (NM_001407362.1); c.2308+630G>A (NM_001406803.1); c.1606+1332G>A (NM_001406817.1); and 4 more; short protein forms E850K, E954K, E295K, E805K, E881K, E1012K, E678K, E924K.
Identifiers: ClinVar variation 3296395 (VCV003296395.1).

ClinVar aggregate classification (germline): Uncertain significance (1 of 4 stars; one submission).

Conditions:
Hereditary cancer-predisposing syndrome. Also called: Tumor predisposition; Hereditary Cancer Syndrome; Hereditary neoplastic syndrome; Neoplastic Syndromes, Hereditary. Identifiers: Orphanet 140162, MedGen C0027672, MeSH D009386, MONDO:0015356.

Submission:

Ambry Genetics
Classification: Uncertain significance for Hereditary cancer-predisposing syndrome. Last evaluated: 2024-05-18. Review status: criteria provided, single submitter. Criteria: Ambry Variant Classification Scheme 2023. Collection method: clinical testing. Allele origin: germline.
Comment: The p.E980K variant (also known as c.2938G>A), located in coding exon 4 of the MSH6 gene, results from a G to A substitution at nucleotide position 2938. The glutamic acid at codon 980 is replaced by lysine, an amino acid with similar properties. This amino acid position is highly conserved in available vertebrate species. In addition, this alteration is predicted to be deleterious by in silico analysis. Based on the available evidence, the clinical significance of this variant remains unclear.